The following is an entry in ClinVar:

ClinVar aggregate classification (germline): Uncertain significance (1 of 4 stars; one submission).

Submission:

Labcorp Genetics (formerly Invitae), Labcorp
Classification: Uncertain significance. Last evaluated: 2022-03-13. Review status: criteria provided, single submitter. Criteria: Invitae Variant Classification Sherloc (09022015). Collection method: clinical testing. Allele origin: germline.
Comment: This sequence change affects codon 1118 of the CHD8 mRNA. It is a 'silent' change, meaning that it does not change the encoded amino acid sequence of the CHD8 protein. In summary, the available evidence is currently insufficient to determine the role of this variant in disease. Therefore, it has been classified as a Variant of Uncertain Significance. Algorithms developed to predict the effect of sequence changes on RNA splicing suggest that this variant may create or strengthen a splice site. This variant has not been reported in the literature in individuals affected with CHD8-related conditions. This variant is not present in population databases (gnomAD no frequency).

NM_001170629.2(CHD8):c.3354T>A (p.Ile1118=)

Gene: CHD8 (chromodomain helicase DNA binding protein 8; minus strand). Cytogenetic location: 14q11.2.
Variant type: single nucleotide variant.
Coding change: c.3354T>A on transcript NM_001170629.2 (MANE Select); coding-DNA position 3354, T replaced by A.
Protein change: p.Ile1118=; no amino-acid change (isoleucine 1118 retained).
Molecular consequence: synonymous variant.
Genome position (GRCh38, 1-based): chr14:21,403,617, A>T on the plus strand (T>A on the coding strand, the complement: CHD8 is on the minus strand). VCF-style: chr14-21403617-A-T. GRCh37 (hg19) VCF-style: chr14-21871776-A-T.
Other names: c.2517T>A, p.Ile839= (NM_020920.4).
Identifiers: ClinVar variation 2109328 (VCV002109328.4), dbSNP rs2501903286, ClinGen allele CA485002819.